The following is an entry in ClinVar:

NM_020975.6(RET):c.1469A>G (p.Gln490Arg)

Gene: RET (ret proto-oncogene; plus strand). Cytogenetic location: 10q11.21.
Variant type: single nucleotide variant.
Coding change: c.1469A>G on transcript NM_020975.6 (MANE Select); coding-DNA position 1469, A replaced by G.
Protein change: p.Gln490Arg; replaces glutamine 490 with arginine.
Molecular consequence: missense variant.
Genome position (GRCh38, 1-based): chr10:43,111,412, A>G. VCF-style: chr10-43111412-A-G. GRCh37 (hg19) VCF-style: chr10-43606860-A-G.
Other names: c.1469A>G, p.Gln490Arg (NM_000323.2, NM_001406743.1, NM_001406744.1 and 6 more transcripts); c.707A>G, p.Gln236Arg (NM_001355216.2); c.1340A>G, p.Gln447Arg (NM_001406761.1, NM_001406762.1, NM_001406764.1 and 1 more transcripts); c.1181A>G, p.Gln394Arg (NM_001406766.1, NM_001406767.1, NM_001406770.1); c.1073A>G, p.Gln358Arg (NM_001406769.1, NM_001406772.1); c.1031A>G, p.Gln344Arg (NM_001406771.1, NM_001406773.1); c.944A>G, p.Gln315Arg (NM_001406774.1); c.743A>G, p.Gln248Arg (NM_001406775.1, NM_001406776.1, NM_001406777.1 and 1 more transcripts); and 1 more; short protein forms Q236R, Q490R, Q344R, Q394R, Q447R, Q315R, Q160R, Q248R.
Identifiers: ClinVar variation 644326 (VCV000644326.12), dbSNP rs750291418, ClinGen allele CA033797.

ClinVar aggregate classification (germline): Conflicting classifications of pathogenicity. Review status: criteria provided, conflicting classifications (1 of 4 stars). 2 submissions from 2 submitters: Uncertain significance (1); Likely benign (1). Last evaluated 2022-08-12.

Conditions:
Hereditary cancer-predisposing syndrome. Also called: Neoplastic Syndromes, Hereditary; Tumor predisposition; Hereditary neoplastic syndrome; Hereditary Cancer Syndrome. Identifiers: Orphanet 140162, MedGen C0027672, MeSH D009386, MONDO:0015356.
Multiple endocrine neoplasia, type 2 (MEN2). Identifiers: Orphanet 653, MedGen C4048306, MONDO:0019003. Disease mechanism: gain of function.

Allele frequency attached by ClinVar (database versions not stated): gnomAD exomes below 0.00001; ExAC 0.00001.
gnomAD v4.1: 1 of 1,613,760 alleles (0.000062%); highest among the groups gnomAD compares: Non-Finnish European, 0.000085%; no homozygotes.

Submissions (2):

Ambry Genetics
Classification: Likely benign for Hereditary cancer-predisposing syndrome. Last evaluated: 2022-08-12. Review status: criteria provided, single submitter. Criteria: Ambry Variant Classification Scheme 2023. Collection method: clinical testing. Allele origin: germline.

Labcorp Genetics (formerly Invitae), Labcorp
Classification: Uncertain significance for Multiple endocrine neoplasia, type 2. Last evaluated: 2018-11-29. Review status: criteria provided, single submitter. Criteria: Invitae Variant Classification Sherloc (09022015). Collection method: clinical testing. Allele origin: germline.
Comment: This sequence change replaces glutamine with arginine at codon 490 of the RET protein (p.Gln490Arg). The glutamine residue is weakly conserved and there is a small physicochemical difference between glutamine and arginine. This variant is present in population databases (rs750291418, ExAC 0.002%). This variant has not been reported in the literature in individuals with RET-related conditions. Algorithms developed to predict the effect of missense changes on protein structure and function output the following: SIFT: "Tolerated"; PolyPhen-2: "Benign"; Align-GVGD: "Class C0". The arginine amino acid residue is found in multiple mammalian species, suggesting that this missense change does not adversely affect protein function. These predictions have not been confirmed by published functional studies and their clinical significance is uncertain. In summary, the available evidence is currently insufficient to determine the role of this variant in disease. Therefore, it has been classified as a Variant of Uncertain Significance.